The following is an entry in ClinVar:

NM_020529.3(NFKBIA):c.337-3T>C

Genes: NFKBIA (NFKB inhibitor alpha; minus strand), LOC130055494 (ATAC-STARR-seq lymphoblastoid active region 8276; plus strand). Cytogenetic location: 14q13.2.
Variant type: single nucleotide variant.
Coding change: c.337-3T>C on transcript NM_020529.3 (MANE Select); 3 bases into the intron before coding-DNA position 337, T replaced by C.
Molecular consequence: intron variant.
Genome position (GRCh38, 1-based): chr14:35,403,363, A>G on the plus strand (T>C on the coding strand, the complement: NFKBIA is on the minus strand). VCF-style: chr14-35403363-A-G. GRCh37 (hg19) VCF-style: chr14-35872569-A-G.
Identifiers: ClinVar variation 576934 (VCV000576934.13), dbSNP rs756930611, ClinGen allele CA7155486.

ClinVar aggregate classification (germline): Conflicting classifications of pathogenicity. Review status: criteria provided, conflicting classifications (1 of 4 stars). 2 submissions from 2 submitters: Uncertain significance (1); Likely benign (1). Last evaluated 2024-10-16.

Conditions:
Ectodermal dysplasia and immunodeficiency 2. Identifiers: Orphanet 238468, Orphanet 98813, MedGen C2677481, MONDO:0012806, OMIM 612132.

Allele frequency attached by ClinVar (database versions not stated): gnomAD 0.00003; gnomAD exomes 0.00004 and 0.00005; TOPMed 0.00004; ExAC 0.00006.
gnomAD v4.1: 68 of 1,613,804 alleles (0.0042%); highest among the groups gnomAD compares: Admixed American, 0.0067%; no homozygotes.

Submissions (2):

Labcorp Genetics (formerly Invitae), Labcorp
Classification: Uncertain significance for Ectodermal dysplasia and immunodeficiency 2. Last evaluated: 2024-10-16. Review status: criteria provided, single submitter. Criteria: Invitae Variant Classification Sherloc (09022015). Collection method: clinical testing. Allele origin: germline.
Comment: This sequence change falls in intron 2 of the NFKBIA gene. It does not directly change the encoded amino acid sequence of the NFKBIA protein. It affects a nucleotide within the consensus splice site. This variant is present in population databases (rs756930611, gnomAD 0.006%). This variant has not been reported in the literature in individuals affected with NFKBIA-related conditions. ClinVar contains an entry for this variant (Variation ID: 576934). Variants that disrupt the consensus splice site are a relatively common cause of aberrant splicing (PMID: 17576681, 9536098). Algorithms developed to predict the effect of sequence changes on RNA splicing suggest that this variant is not likely to affect RNA splicing. In summary, the available evidence is currently insufficient to determine the role of this variant in disease. Therefore, it has been classified as a Variant of Uncertain Significance.

Illumina Laboratory Services, Illumina
Classification: Likely benign for Ectodermal dysplasia and immunodeficiency 2. Last evaluated: 2018-01-12. Review status: criteria provided, single submitter. Criteria: ICSL Variant Classification Criteria 13 December 2019. Collection method: clinical testing. Allele origin: germline.
Comment: This variant was observed in the ICSL laboratory as part of a predisposition screen in an ostensibly healthy population. It had not been previously curated by ICSL or reported in the Human Gene Mutation Database (HGMD: prior to June 1st, 2018), and was therefore a candidate for classification through an automated scoring system. Utilizing variant allele frequency, disease prevalence and penetrance estimates, and inheritance mode, an automated score was calculated to assess if this variant is too frequent to cause the disease. Based on the score and internal cut-off values, a variant classified as likely benign is not then subjected to further curation. The score for this variant resulted in a classification of likely benign for this disease.

Literature cited by the submitters: PubMed 17576681 (cited by Labcorp Genetics (formerly Invitae), Labcorp); PubMed 9536098 (cited by Labcorp Genetics (formerly Invitae), Labcorp).